The following is an entry in ClinVar:

NM_006648.4(WNK2):c.3107C>T (p.Ala1036Val)

Gene: WNK2 (WNK lysine deficient protein kinase 2; plus strand). Cytogenetic location: 9q22.31.
Variant type: single nucleotide variant.
Coding change: c.3107C>T on transcript NM_006648.4 (MANE Select); coding-DNA position 3107, C replaced by T.
Protein change: p.Ala1036Val; replaces alanine 1036 with valine.
Molecular consequence: missense variant.
Genome position (GRCh38, 1-based): chr9:93,261,854, C>T. VCF-style: chr9-93261854-C-T. GRCh37 (hg19) VCF-style: chr9-96024136-C-T.
Other names: c.3107C>T, p.Ala1036Val (NM_001282394.3); short protein forms A1036V.
Identifiers: ClinVar variation 3982111 (VCV003982111.1).
Genomic context (GRCh38, chr9:93,261,854, plus strand): 5'-CTTGTCCCCTGTGCCCCCAGATTCTGCTTGGCCACCCAGCTCCCTATGCTGTGGACGTCG[C>T]CGCTCAGGTCCCCACCGTGCCTGTGCCACCGGCTGCGGTCCTCTCGCCGCCTCTGCCGGA-3'
Protein context (NP_006639.3, residues 1026-1046): GHPAPYAVDV[Ala1036Val]AQVPTVPVPP

ClinVar aggregate classification (germline): Uncertain significance (1 of 4 stars; one submission).

Submission:

Ambry Genetics
Classification: Uncertain significance. Last evaluated: 2025-05-24. Review status: criteria provided, single submitter. Criteria: Ambry Variant Classification Scheme 2023. Collection method: clinical testing. Allele origin: germline.
Comment: The p.A1036V variant (also known as c.3107C>T), located in coding exon 12 of the WNK2 gene, results from a C to T substitution at nucleotide position 3107. The alanine at codon 1036 is replaced by valine, an amino acid with similar properties. This amino acid position is conserved. In addition, this alteration is predicted to be tolerated by in silico analysis. Based on the available evidence, the clinical significance of this variant remains unclear.